The following is an entry in ClinVar:

NM_015459.5(ATL3):c.1054A>G (p.Asn352Asp)

Genes: ATL3 (atlastin GTPase 3; minus strand), LNCROPM (lncRNA regulator of PLAAT3 mediated phospholipid metabolism; plus strand). Cytogenetic location: 11q13.1.
Variant type: single nucleotide variant.
Coding change: c.1054A>G on transcript NM_015459.5 (MANE Select); coding-DNA position 1054, A replaced by G.
Protein change: p.Asn352Asp; replaces asparagine 352 with aspartic acid.
Molecular consequence: missense variant.
Genome position (GRCh38, 1-based): chr11:63,633,079, T>C on the plus strand (A>G on the coding strand, the complement: ATL3 is on the minus strand). VCF-style: chr11-63633079-T-C. GRCh37 (hg19) VCF-style: chr11-63400551-T-C.
Other names: c.1000A>G, p.Asn334Asp (NM_001290048.2); short protein forms N334D, N352D.
Identifiers: ClinVar variation 1467464 (VCV001467464.8), dbSNP rs2134466107, ClinGen allele CA381025815.

ClinVar aggregate classification (germline): Uncertain significance (1 of 4 stars; one submission).

Conditions:
Neuropathy, hereditary sensory, type 1F. Also called: HSN IF; Hereditary sensory neuropathy type IF. Identifiers: Orphanet 36386, MedGen C3810194, MONDO:0014286, OMIM 615632.

Submission:

Labcorp Genetics (formerly Invitae), Labcorp
Classification: Uncertain significance for Neuropathy, hereditary sensory, type 1F. Last evaluated: 2023-08-30. Review status: criteria provided, single submitter. Criteria: Invitae Variant Classification Sherloc (09022015). Collection method: clinical testing. Allele origin: germline.
Comment: In summary, the available evidence is currently insufficient to determine the role of this variant in disease. Therefore, it has been classified as a Variant of Uncertain Significance. Advanced modeling of protein sequence and biophysical properties (such as structural, functional, and spatial information, amino acid conservation, physicochemical variation, residue mobility, and thermodynamic stability) performed at Invitae indicates that this missense variant is expected to disrupt ATL3 protein function. ClinVar contains an entry for this variant (Variation ID: 1467464). This variant has not been reported in the literature in individuals affected with ATL3-related conditions. This variant is not present in population databases (gnomAD no frequency). This sequence change replaces asparagine, which is neutral and polar, with aspartic acid, which is acidic and polar, at codon 352 of the ATL3 protein (p.Asn352Asp).